The following is an entry in ClinVar:

ClinVar aggregate classification (germline): Uncertain significance (1 of 4 stars; one submission).

Allele frequency attached by ClinVar (database versions not stated): gnomAD exomes below 0.00001 and 0.00001; ExAC 0.00001.
gnomAD v4.1: 3 of 1,613,360 alleles (0.00019%); highest among the groups gnomAD compares: South Asian, 0.0033%; no homozygotes.

Submission:

Laboratory for Molecular Medicine, Mass General Brigham Personalized Medicine
Classification: Uncertain significance. Last evaluated: 2021-01-16. Review status: criteria provided, single submitter. Criteria: ACMG Guidelines, 2015. Collection method: clinical testing. Allele origin: germline.
Comment: The p.Asn22842Ile variant in TTN has not been previously reported in individuals with cardiomyopathy but has been identified in 0.003% (1/30578) of South Asian chromosomes by gnomAD. Computational prediction tools and conservation analyses do not provide strong support for or against an impact to the protein. In summary, the clinical significance of this variant is uncertain. ACMG/AMP Criteria applied: PM2_Supporting.

NM_001267550.2(TTN):c.76229A>T (p.Asn25410Ile)

Genes: TTN (titin; minus strand), TTN-AS1 (TTN antisense RNA 1; plus strand). Cytogenetic location: 2q31.2.
Variant type: single nucleotide variant.
Coding change: c.76229A>T on transcript NM_001267550.2 (MANE Select); coding-DNA position 76229, A replaced by T.
Protein change: p.Asn25410Ile; replaces asparagine 25410 with isoleucine.
Molecular consequence: missense variant.
Genome position (GRCh38, 1-based): chr2:178,569,903, T>A on the plus strand (A>T on the coding strand, the complement: TTN is on the minus strand). VCF-style: chr2-178569903-T-A. GRCh37 (hg19) VCF-style: chr2-179434630-T-A.
Other names: c.68525A>T, p.Asn22842Ile (NM_133378.4); c.71306A>T, p.Asn23769Ile (NM_001256850.1); c.49034A>T, p.Asn16345Ile (NM_003319.4); c.49409A>T, p.Asn16470Ile (NM_133432.3); c.49610A>T, p.Asn16537Ile (NM_133437.4); short protein forms N25410I, N22842I, N16345I, N16470I, N23769I, N16537I.
Identifiers: ClinVar variation 47346 (VCV000047346.6), dbSNP rs397517706, ClinGen allele CA140752.